The following is an entry in ClinVar:

ClinVar aggregate classification (germline): Uncertain significance (1 of 4 stars; one submission).

Allele frequency attached by ClinVar (database versions not stated): gnomAD 0.00001; gnomAD exomes 0.00001 and 0.00003; TOPMed 0.00002.
gnomAD v4.1: 11 of 1,611,862 alleles (0.00068%); highest among the groups gnomAD compares: Admixed American, 0.012%; no homozygotes.

Submission:

Labcorp Genetics (formerly Invitae), Labcorp
Classification: Uncertain significance. Last evaluated: 2022-09-27. Review status: criteria provided, single submitter. Criteria: Invitae Variant Classification Sherloc (09022015). Collection method: clinical testing. Allele origin: germline.
Comment: In summary, the available evidence is currently insufficient to determine the role of this variant in disease. Therefore, it has been classified as a Variant of Uncertain Significance. Algorithms developed to predict the effect of missense changes on protein structure and function (SIFT, PolyPhen-2, Align-GVGD) all suggest that this variant is likely to be tolerated. ClinVar contains an entry for this variant (Variation ID: 1359878). This variant has not been reported in the literature in individuals affected with HPGD-related conditions. This variant is present in population databases (no rsID available, gnomAD 0.03%). This sequence change replaces aspartic acid, which is acidic and polar, with alanine, which is neutral and non-polar, at codon 255 of the HPGD protein (p.Asp255Ala).

NM_000860.6(HPGD):c.764A>C (p.Asp255Ala)

Gene: HPGD (15-hydroxyprostaglandin dehydrogenase; minus strand). Cytogenetic location: 4q34.1.
Variant type: single nucleotide variant.
Coding change: c.764A>C on transcript NM_000860.6 (MANE Select); coding-DNA position 764, A replaced by C.
Protein change: p.Asp255Ala; replaces aspartic acid 255 with alanine.
Molecular consequence: missense variant. On other transcripts: 3 prime UTR variant (2).
Genome position (GRCh38, 1-based): chr4:174,491,993, T>G on the plus strand (A>C on the coding strand, the complement: HPGD is on the minus strand). VCF-style: chr4-174491993-T-G. GRCh37 (hg19) VCF-style: chr4-175413144-T-G.
Other names: c.*63A>C (NM_001145816.3); c.401A>C, p.Asp134Ala (NM_001256301.1, NM_001256307.2); c.*91A>C (NM_001256305.2); c.560A>C, p.Asp187Ala (NM_001256306.2); short protein forms D255A, D134A, D187A.
Identifiers: ClinVar variation 1359878 (VCV001359878.5), dbSNP rs1048660285, ClinGen allele CA111125620.